The following is an entry in ClinVar:

NM_014727.3(KMT2B):c.4744G>A (p.Ala1582Thr)

Gene: KMT2B (lysine methyltransferase 2B; plus strand). Cytogenetic location: 19q13.12.
Variant type: single nucleotide variant.
Coding change: c.4744G>A on transcript NM_014727.3 (MANE Select); coding-DNA position 4744, G replaced by A.
Protein change: p.Ala1582Thr; replaces alanine 1582 with threonine.
Molecular consequence: missense variant.
Genome position (GRCh38, 1-based): chr19:35,729,041, G>A. VCF-style: chr19-35729041-G-A. GRCh37 (hg19) VCF-style: chr19-36219942-G-A.
Other names: short protein forms A1582T.
Identifiers: ClinVar variation 4072576 (VCV004072576.1).

ClinVar aggregate classification (germline): Uncertain significance (1 of 4 stars; one submission).

gnomAD v4.1: 6 of 1,614,014 alleles (0.00037%); highest among the groups gnomAD compares: South Asian, 0.0066%; no homozygotes.

Submission:

GeneDx
Classification: Uncertain significance. Last evaluated: 2025-01-30. Review status: criteria provided, single submitter. Criteria: GeneDx Variant Classification Process June 2021. Collection method: clinical testing. Allele origin: germline. Affected: yes.
Comment: Not observed at significant frequency in large population cohorts (gnomAD); In silico analysis supports that this missense variant has a deleterious effect on protein structure/function; Has not been previously published as pathogenic or benign to our knowledge